The following is an entry in ClinVar:

NM_001851.6(COL9A1):c.2456C>T (p.Pro819Leu)

Gene: COL9A1 (collagen type IX alpha 1 chain; minus strand). Cytogenetic location: 6q13.
Variant type: single nucleotide variant.
Coding change: c.2456C>T on transcript NM_001851.6 (MANE Select); coding-DNA position 2456, C replaced by T.
Protein change: p.Pro819Leu; replaces proline 819 with leucine.
Molecular consequence: missense variant. On other transcripts: non-coding transcript variant (1).
Genome position (GRCh38, 1-based): chr6:70,232,630, G>A on the plus strand (C>T on the coding strand, the complement: COL9A1 is on the minus strand). VCF-style: chr6-70232630-G-A. GRCh37 (hg19) VCF-style: chr6-70942333-G-A.
Other names: c.1757C>T, p.Pro586Leu (NM_001377289.1); c.1580C>T, p.Pro527Leu (NM_001377290.1); c.1727C>T, p.Pro576Leu (NM_078485.4); short protein forms P527L, P576L, P586L, P819L.
Identifiers: ClinVar variation 1064954 (VCV001064954.30), dbSNP rs144581626, ClinGen allele CA3881765.

ClinVar aggregate classification (germline): Conflicting classifications of pathogenicity. Review status: criteria provided, conflicting classifications (1 of 4 stars). 3 submissions from 3 submitters: Uncertain significance (2); Likely benign (1). Last evaluated 2025-10-06.

Conditions:
Hearing impairment. Also called: Impaired Hearing. Identifiers: MedGen C1384666, MONDO:0005365, HP:0000365.

Allele frequency attached by ClinVar (database versions not stated): gnomAD 0.00001 and 0.00003; TOPMed 0.00001; gnomAD exomes 0.00006 and 0.00011; ExAC 0.00012; 1000 Genomes Project 30x 0.00016; 1000 Genomes Project 0.00020.
gnomAD v4.1: 95 of 1,614,076 alleles (0.0059%); highest among the groups gnomAD compares: South Asian, 0.068%; no homozygotes.

Submissions (3):

Labcorp Genetics (formerly Invitae), Labcorp
Classification: Likely benign. Last evaluated: 2025-10-06. Review status: criteria provided, single submitter. Criteria: Invitae Variant Classification Sherloc (09022015). Collection method: clinical testing. Allele origin: germline.

CeGaT Center for Human Genetics Tuebingen
Classification: Uncertain significance. Last evaluated: 2023-07-01. Review status: criteria provided, single submitter. Criteria: CeGaT Center For Human Genetics Tuebingen Variant Classification Criteria Version 2. Collection method: clinical testing. Allele origin: germline. Affected: yes. Observed: 1 variant allele.
Comment: COL9A1: PP3

Department of Otolaryngology – Head & Neck Surgery, Cochlear Implant Center
Classification: Uncertain significance for Hearing impairment. Last evaluated: 2021-04-12. Review status: criteria provided, single submitter. Criteria: ClinGen HL ACMG Specifications v1. Collection method: clinical testing. Allele origin: germline. Affected: yes.
Comment: PM2_Supporting, PP3_Supporting, BP5_Supporting